The following is an entry in ClinVar:

NM_001458.5(FLNC):c.3371C>T (p.Thr1124Met)

Gene: FLNC (filamin C; plus strand). Cytogenetic location: 7q32.1.
Variant type: single nucleotide variant.
Coding change: c.3371C>T on transcript NM_001458.5 (MANE Select); coding-DNA position 3371, C replaced by T.
Protein change: p.Thr1124Met; replaces threonine 1124 with methionine.
Molecular consequence: missense variant.
Genome position (GRCh38, 1-based): chr7:128,844,836, C>T. VCF-style: chr7-128844836-C-T. GRCh37 (hg19) VCF-style: chr7-128484890-C-T.
Other names: c.3371C>T (NM_001458.4); c.3371C>T, p.Thr1124Met (NM_001127487.2); short protein forms T1124M.
Identifiers: ClinVar variation 1003350 (VCV001003350.12), dbSNP rs375013141, ClinGen allele CA4475024.

ClinVar aggregate classification (germline): Uncertain significance. Review status: criteria provided, multiple submitters, no conflicts (2 of 4 stars). 4 submissions from 4 submitters: Uncertain significance (4). Last evaluated 2025-11-22.

Conditions:
Hypertrophic cardiomyopathy 26. Also called: Cardiomyopathy, familial hypertrophic, 26. Identifiers: Orphanet 75249, MedGen C4310749, MONDO:0014883, OMIM 617047.
Myofibrillar myopathy 5. Also called: Filaminopathy (type); FILAMINOPATHY, AUTOSOMAL DOMINANT. Identifiers: Orphanet 171445, MedGen C1836050, MONDO:0012289, OMIM 609524.
Distal myopathy with posterior leg and anterior hand involvement. Also called: WILLIAMS DISTAL MYOPATHY. Identifiers: Orphanet 63273, MedGen C3279722, MONDO:0013550, OMIM 614065.
Cardiovascular phenotype. Identifiers: MedGen CN230736.

Allele frequency attached by ClinVar (database versions not stated): TOPMed 0.00006; ESP Exome Variant Server 0.00008.

Submissions (4):

Labcorp Genetics (formerly Invitae), Labcorp
Classification: Uncertain significance for Distal myopathy with posterior leg and anterior hand involvement; Myofibrillar myopathy 5; Hypertrophic cardiomyopathy 26. Last evaluated: 2025-11-22. Review status: criteria provided, single submitter. Criteria: Invitae Variant Classification Sherloc (09022015). Collection method: clinical testing. Allele origin: germline.
Comment: This sequence change replaces threonine, which is neutral and polar, with methionine, which is neutral and non-polar, at codon 1124 of the FLNC protein (p.Thr1124Met). This variant is present in population databases (rs375013141, gnomAD 0.003%). This variant has not been reported in the literature in individuals affected with FLNC-related conditions. ClinVar contains an entry for this variant (Variation ID: 1003350). Invitae Evidence Modeling of protein sequence and biophysical properties (such as structural, functional, and spatial information, amino acid conservation, physicochemical variation, residue mobility, and thermodynamic stability) has been performed for this missense variant. However, the output from this modeling did not meet the statistical confidence thresholds required to predict the impact of this variant on FLNC protein function. In summary, the available evidence is currently insufficient to determine the role of this variant in disease. Therefore, it has been classified as a Variant of Uncertain Significance.

Ambry Genetics
Classification: Uncertain significance for Cardiovascular phenotype. Last evaluated: 2025-08-11. Review status: criteria provided, single submitter. Criteria: Ambry Variant Classification Scheme 2023. Collection method: clinical testing. Allele origin: germline.
Comment: The p.T1124M variant (also known as c.3371C>T), located in coding exon 21 of the FLNC gene, results from a C to T substitution at nucleotide position 3371. The threonine at codon 1124 is replaced by methionine, an amino acid with similar properties. This amino acid position is well conserved in available vertebrate species. In addition, the in silico prediction for this alteration is inconclusive. Based on the available evidence, the clinical significance of this variant remains unclear.

Revvity Omics, Revvity
Classification: Uncertain significance. Last evaluated: 2025-04-24. Review status: criteria provided, single submitter. Criteria: ACMG Guidelines, 2015. Collection method: clinical testing. Allele origin: germline.

Blueprint Genetics
Classification: Uncertain significance. Last evaluated: 2024-11-19. Review status: criteria provided, single submitter. Criteria: ACMG Guidelines, 2015. Collection method: clinical testing. Allele origin: germline.